The following is an entry in ClinVar:

ClinVar aggregate classification (germline): Uncertain significance (1 of 4 stars; one submission).

Conditions:
Inborn genetic diseases. Identifiers: MedGen C0950123, MeSH D030342.

Submission:

Ambry Genetics
Classification: Uncertain significance for Inborn genetic diseases. Last evaluated: 2021-09-14. Review status: criteria provided, single submitter. Criteria: Ambry Variant Classification Scheme 2023. Collection method: clinical testing. Allele origin: germline.
Comment: The p.Q129P variant (also known as c.386A>C), located in coding exon 2 of the HSPB8 gene, results from an A to C substitution at nucleotide position 386. The glutamine at codon 129 is replaced by proline, an amino acid with similar properties. This amino acid position is conserved. In addition, this alteration is predicted to be deleterious by in silico analysis. Since supporting evidence is limited at this time, the clinical significance of this alteration remains unclear.

NM_014365.3(HSPB8):c.386A>C (p.Gln129Pro)

Gene: HSPB8 (heat shock protein family B (small) member 8; plus strand). Cytogenetic location: 12q24.23.
Variant type: single nucleotide variant.
Coding change: c.386A>C on transcript NM_014365.3 (MANE Select); coding-DNA position 386, A replaced by C.
Protein change: p.Gln129Pro; replaces glutamine 129 with proline.
Molecular consequence: missense variant.
Genome position (GRCh38, 1-based): chr12:119,187,043, A>C. VCF-style: chr12-119187043-A-C. GRCh37 (hg19) VCF-style: chr12-119624848-A-C.
Other names: short protein forms Q129P.
Identifiers: ClinVar variation 1735662 (VCV001735662.2), dbSNP rs2500043451, ClinGen allele CA386529278.